The following is an entry in ClinVar:

NM_001374736.1(DST):c.2757G>A (p.Ala919=)

Gene: DST (dystonin; minus strand). Cytogenetic location: 6p12.1.
Variant type: single nucleotide variant.
Coding change: c.2757G>A on transcript NM_001374736.1 (MANE Select); coding-DNA position 2757, G replaced by A.
Protein change: p.Ala919=; no amino-acid change (alanine 919 retained).
Molecular consequence: synonymous variant.
Genome position (GRCh38, 1-based): chr6:56,639,552, C>T on the plus strand (G>A on the coding strand, the complement: DST is on the minus strand). VCF-style: chr6-56639552-C-T. GRCh37 (hg19) VCF-style: chr6-56504350-C-T.
Other names: c.2658G>A, p.Ala886= (NM_001144769.5); c.2244G>A, p.Ala748= (NM_001144770.2); c.2757G>A, p.Ala919= (NM_001374722.1); c.2124G>A, p.Ala708= (NM_001374729.1, NM_001374730.1, NM_001386100.1 and 1 more transcripts); c.2784G>A, p.Ala928= (NM_001374734.1); c.1146G>A, p.Ala382= (NM_001723.7, NM_015548.5).
Identifiers: ClinVar variation 541471 (VCV000541471.37), dbSNP rs376863860, ClinGen allele CA3871327.

ClinVar aggregate classification (germline): Likely benign. Review status: criteria provided, multiple submitters, no conflicts (2 of 4 stars). 4 submissions from 4 submitters: Likely benign (4). Last evaluated 2026-03-01.

Conditions:
Hereditary sensory and autonomic neuropathy type 6. Also called: HSAN VI; Neuropathy, hereditary sensory and autonomic, type VI. Identifiers: Orphanet 314381, MedGen C3539003, MONDO:0013839, OMIM 614653.
Epidermolysis bullosa simplex 3, localized or generalized intermediate, with BP230 deficiency (EBS3). Also called: Epidermolysis bullosa simplex, autosomal recessive 2; Epidermolysis bullosa simplex due to BP230 deficiency. Identifiers: Orphanet 412181, MedGen C3809470, MONDO:0014180, OMIM 615425.
DST-related disorder. Also called: DST-related disorders; DST-related condition.

Allele frequency attached by ClinVar (database versions not stated): ExAC 0.00007; ESP Exome Variant Server 0.00008; gnomAD exomes 0.00008; TOPMed 0.00008; gnomAD 0.00011; 1000 Genomes Project 30x 0.00016; 1000 Genomes Project 0.00020.
gnomAD v4.1: 139 of 1,613,760 alleles (0.0086%); highest among the groups gnomAD compares: Non-Finnish European, 0.01%; no homozygotes.

Submissions (4):

CeGaT Center for Human Genetics Tuebingen
Classification: Likely benign. Last evaluated: 2026-03-01. Review status: criteria provided, single submitter. Criteria: CeGaT Center For Human Genetics Tuebingen Variant Classification Criteria Version 2. Collection method: clinical testing. Allele origin: germline. Affected: yes. Observed: 2 variant alleles.
Comment: DST: BP4, BP7

Labcorp Genetics (formerly Invitae), Labcorp
Classification: Likely benign for Epidermolysis bullosa simplex 3, localized or generalized intermediate, with BP230 deficiency; Hereditary sensory and autonomic neuropathy type 6. Last evaluated: 2025-12-20. Review status: criteria provided, single submitter. Criteria: Invitae Variant Classification Sherloc (09022015). Collection method: clinical testing. Allele origin: germline.

PreventionGenetics, part of Exact Sciences
Classification: Likely benign for DST-related condition. Last evaluated: 2025-07-25. Review status: criteria provided, single submitter. Criteria: ACMG Guidelines, 2015. Collection method: clinical testing. Allele origin: germline.
Comment: This variant is classified as likely benign based on ACMG/AMP sequence variant interpretation guidelines (Richards et al. 2015 PMID: 25741868, with internal and published modifications).

Blueprint Genetics
Classification: Likely benign. Last evaluated: 2024-11-19. Review status: criteria provided, single submitter. Criteria: ACMG Guidelines, 2015. Collection method: clinical testing. Allele origin: germline.